The following is an entry in ClinVar:

ClinVar aggregate classification (germline): Uncertain significance (1 of 4 stars; one submission).

Conditions:
Emery-Dreifuss muscular dystrophy (EDMD). Also called: Scapuloperoneal syndrome, X-linked (formerly); Humeroperoneal neuromuscular disease, (formerly). Identifiers: Orphanet 261, MedGen C0410189, MONDO:0016830.

Allele frequency attached by ClinVar (database versions not stated): gnomAD exomes below 0.00001; ExAC 0.00001; TOPMed 0.00001; ESP Exome Variant Server 0.00008.
gnomAD v4.1: 6 of 1,613,824 alleles (0.00037%); highest among the groups gnomAD compares: Non-Finnish European, 0.00051%; no homozygotes.

Submission:

Labcorp Genetics (formerly Invitae), Labcorp
Classification: Uncertain significance for Emery-Dreifuss muscular dystrophy. Last evaluated: 2021-06-05. Review status: criteria provided, single submitter. Criteria: Invitae Variant Classification Sherloc (09022015). Collection method: clinical testing. Allele origin: germline.
Comment: Algorithms developed to predict the effect of missense changes on protein structure and function are either unavailable or do not agree on the potential impact of this missense change (SIFT: "Deleterious"; PolyPhen-2: "Benign"; Align-GVGD: "Class C0"). This sequence change replaces serine with glycine at codon 707 of the SUN1 protein (p.Ser707Gly). The serine residue is moderately conserved and there is a small physicochemical difference between serine and glycine. This variant is present in population databases (rs373518804, ExAC 0.002%). This variant has not been reported in the literature in individuals with SUN1-related conditions. In summary, the available evidence is currently insufficient to determine the role of this variant in disease. Therefore, it has been classified as a Variant of Uncertain Significance.

NM_001130965.3(SUN1):c.2119A>G (p.Ser707Gly)

Gene: SUN1 (Sad1 and UNC84 domain containing 1; plus strand). Cytogenetic location: 7p22.3.
Variant type: single nucleotide variant.
Coding change: c.2119A>G on transcript NM_001130965.3 (MANE Select); coding-DNA position 2119, A replaced by G.
Protein change: p.Ser707Gly; replaces serine 707 with glycine.
Molecular consequence: missense variant. On other transcripts: non-coding transcript variant (3).
Genome position (GRCh38, 1-based): chr7:869,487, A>G. VCF-style: chr7-869487-A-G. GRCh37 (hg19) VCF-style: chr7-909124-A-G.
Other names: c.1810A>G, p.Ser604Gly (NM_001171944.2); c.2119A>G, p.Ser707Gly (NM_001367633.1, NM_001367634.1, NM_001367653.1); c.1768A>G, p.Ser590Gly (NM_001367635.1); c.2359A>G, p.Ser787Gly (NM_001367636.1, NM_001367691.1); c.2227A>G, p.Ser743Gly (NM_001367638.1); c.1660A>G, p.Ser554Gly (NM_001367639.1); c.2299A>G, p.Ser767Gly (NM_001367640.1); c.2401A>G, p.Ser801Gly (NM_001367641.1, NM_001367682.1); and 43 more; short protein forms S469G, S590G, S604G, S656G, S696G, S711G, S733G, S735G.
Identifiers: ClinVar variation 1404522 (VCV001404522.8), dbSNP rs373518804, ClinGen allele CA4112487.